The following is an entry in ClinVar:

ClinVar aggregate classification (germline): Benign/Likely benign. Review status: criteria provided, multiple submitters, no conflicts (2 of 4 stars). 3 submissions from 3 submitters: Benign (1); Likely benign (1). 1 of the submissions does not count toward it. Last evaluated 2025-07-06.

Conditions:
C2CD3-related disorder. Also called: C2CD3-related condition.
Inborn genetic diseases. Identifiers: MedGen C0950123, MeSH D030342.

Allele frequency attached by ClinVar (database versions not stated): TOPMed 0.00003; gnomAD 0.00013; gnomAD exomes 0.00020 and 0.00045; ExAC 0.00053; 1000 Genomes Project 30x 0.00078; 1000 Genomes Project 0.00080.
gnomAD v4.1: 309 of 1,614,082 alleles (0.019%); highest among the groups gnomAD compares: South Asian, 0.32%; 7 homozygotes.

Submissions (3):

Labcorp Genetics (formerly Invitae), Labcorp
Classification: Benign. Last evaluated: 2025-07-06. Review status: criteria provided, single submitter. Criteria: Invitae Variant Classification Sherloc (09022015). Collection method: clinical testing. Allele origin: germline.

Ambry Genetics
Classification: Likely benign for Inborn genetic diseases. Last evaluated: 2023-07-30. Review status: criteria provided, single submitter. Criteria: Ambry Variant Classification Scheme 2023. Collection method: clinical testing. Allele origin: germline.

PreventionGenetics, part of Exact Sciences
Classification: Likely benign for C2CD3-related condition. Last evaluated: 2024-09-16. Review status: no assertion criteria provided. Collection method: clinical testing. Allele origin: germline. Not counted in ClinVar's aggregate classification.
Comment: This variant is classified as likely benign based on ACMG/AMP sequence variant interpretation guidelines (Richards et al. 2015 PMID: 25741868, with internal and published modifications).

NM_001286577.2(C2CD3):c.2777T>C (p.Val926Ala)

Gene: C2CD3 (C2 domain containing 3 centriole elongation regulator; minus strand). Cytogenetic location: 11q13.4.
Variant type: single nucleotide variant.
Coding change: c.2777T>C on transcript NM_001286577.2 (MANE Select); coding-DNA position 2777, T replaced by C.
Protein change: p.Val926Ala; replaces valine 926 with alanine.
Molecular consequence: missense variant.
Genome position (GRCh38, 1-based): chr11:74,098,211, A>G on the plus strand (T>C on the coding strand, the complement: C2CD3 is on the minus strand). VCF-style: chr11-74098211-A-G. GRCh37 (hg19) VCF-style: chr11-73809256-A-G.
Other names: c.2777T>C (NM_015531.4, NM_015531.5); c.2777T>C, p.Val926Ala (NM_015531.6); short protein forms V926A.
Identifiers: ClinVar variation 1619333 (VCV001619333.12), dbSNP rs564676965, ClinGen allele CA6182547.
Genomic context (GRCh38, chr11:74,098,211, plus strand): 5'-CTCCCATTTTGGTGGCCTGAAAACACATCAATCACAGGCATGTAGCTGTCGACAGCAACA[A>G]CTGGGTACTGGGCATCCAGCAGCAGGCGAGAAATCTTAGCATCTCTAGAGGGGGAGAAAT-3'
Protein context (NP_001273506.1, residues 916-936): SRLLLDAQYP[Val926Ala]VAVDSYMPVI